The following is an entry in ClinVar:

ClinVar aggregate classification (germline): Uncertain significance. Review status: criteria provided, multiple submitters, no conflicts (2 of 4 stars). 3 submissions from 2 submitters: Uncertain significance (3). Last evaluated 2025-12-01.

Conditions:
Lethal multiple pterygium syndrome (LMPS). Identifiers: Orphanet 33108, MedGen C1854678, MONDO:0009668, OMIM 253290.
Congenital myasthenic syndrome (CMS). Also called: Congenital Myasthenic Syndromes. Identifiers: Orphanet 590, MedGen C0751882, MeSH D020294, MONDO:0018940.

Allele frequency attached by ClinVar (database versions not stated): TOPMed 0.00003; gnomAD 0.00006 and 0.00011; gnomAD exomes 0.00014 and 0.00034; ExAC 0.00018; 1000 Genomes Project 30x 0.00062; 1000 Genomes Project 0.00080.

Submissions (3):

Labcorp Genetics (formerly Invitae), Labcorp
Classification: Uncertain significance for Lethal multiple pterygium syndrome. Last evaluated: 2025-12-01. Review status: criteria provided, single submitter. Criteria: Invitae Variant Classification Sherloc (09022015). Collection method: clinical testing. Allele origin: germline.
Comment: This sequence change replaces aspartic acid, which is acidic and polar, with glutamic acid, which is acidic and polar, at codon 85 of the CHRND protein (p.Asp85Glu). This variant is present in population databases (rs146905561, gnomAD 0.2%). This variant has not been reported in the literature in individuals affected with CHRND-related conditions. ClinVar contains an entry for this variant (Variation ID: 334963). Invitae Evidence Modeling of protein sequence and biophysical properties (such as structural, functional, and spatial information, amino acid conservation, physicochemical variation, residue mobility, and thermodynamic stability) indicates that this missense variant is expected to disrupt CHRND protein function with a positive predictive value of 95%. In summary, the available evidence is currently insufficient to determine the role of this variant in disease. Therefore, it has been classified as a Variant of Uncertain Significance.

Illumina Laboratory Services, Illumina
Classification: Uncertain significance for Lethal multiple pterygium syndrome. Last evaluated: 2018-01-13. Review status: criteria provided, single submitter. Criteria: ICSL Variant Classification Criteria 13 December 2019. Collection method: clinical testing. Allele origin: germline.

Illumina Laboratory Services, Illumina
Classification: Uncertain significance for Congenital myasthenic syndrome. Last evaluated: 2018-01-13. Review status: criteria provided, single submitter. Criteria: ICSL Variant Classification Criteria 13 December 2019. Collection method: clinical testing. Allele origin: germline.

NM_000751.3(CHRND):c.255C>A (p.Asp85Glu)

Gene: CHRND (cholinergic receptor nicotinic delta subunit; plus strand). Cytogenetic location: 2q37.1.
Variant type: single nucleotide variant.
Coding change: c.255C>A on transcript NM_000751.3 (MANE Select); coding-DNA position 255, C replaced by A.
Protein change: p.Asp85Glu; replaces aspartic acid 85 with glutamic acid.
Molecular consequence: missense variant. On other transcripts: 5 prime UTR variant (2).
Genome position (GRCh38, 1-based): chr2:232,528,273, C>A. VCF-style: chr2-232528273-C-A. GRCh37 (hg19) VCF-style: chr2-233392983-C-A.
Other names: c.210C>A, p.Asp70Glu (NM_001256657.2); c.-17C>A (NM_001311195.2, NM_001311196.2); short protein forms D85E, D70E.
Identifiers: ClinVar variation 334963 (VCV000334963.14), dbSNP rs146905561, ClinGen allele CA2167974.